The following is an entry in ClinVar:

ClinVar aggregate classification (germline): Uncertain significance (1 of 4 stars; one submission).

gnomAD v4.1: 10 of 1,613,824 alleles (0.00062%); highest among the groups gnomAD compares: Admixed American, 0.0067%; no homozygotes.

Submission:

Labcorp Genetics (formerly Invitae), Labcorp
Classification: Uncertain significance. Last evaluated: 2025-04-14. Review status: criteria provided, single submitter. Criteria: Invitae Variant Classification Sherloc (09022015). Collection method: clinical testing. Allele origin: germline.
Comment: This sequence change replaces threonine, which is neutral and polar, with alanine, which is neutral and non-polar, at codon 1670 of the TRRAP protein (p.Thr1670Ala). This variant is present in population databases (rs782367326, gnomAD 0.009%). This variant has not been reported in the literature in individuals affected with TRRAP-related conditions. Invitae Evidence Modeling of protein sequence and biophysical properties (such as structural, functional, and spatial information, amino acid conservation, physicochemical variation, residue mobility, and thermodynamic stability) indicates that this missense variant is not expected to disrupt TRRAP protein function with a negative predictive value of 80%. In summary, the available evidence is currently insufficient to determine the role of this variant in disease. Therefore, it has been classified as a Variant of Uncertain Significance.

NM_001375524.1(TRRAP):c.5083A>G (p.Thr1695Ala)

Genes: TRRAP (transformation/transcription domain associated protein; plus strand), LOC126860121 (MED14-independent group 3 enhancer GRCh37_chr7:98547245-98548444; plus strand). Cytogenetic location: 7q22.1.
Variant type: single nucleotide variant.
Coding change: c.5083A>G on transcript NM_001375524.1 (MANE Select); coding-DNA position 5083, A replaced by G.
Protein change: p.Thr1695Ala; replaces threonine 1695 with alanine.
Molecular consequence: missense variant.
Genome position (GRCh38, 1-based): chr7:98,949,789, A>G. VCF-style: chr7-98949789-A-G. GRCh37 (hg19) VCF-style: chr7-98547412-A-G.
Other names: c.5062A>G, p.Thr1688Ala (NM_001244580.2); c.5008A>G, p.Thr1670Ala (NM_003496.4); short protein forms T1670A, T1688A, T1695A.
Identifiers: ClinVar variation 4809421 (VCV004809421.1).